The following is an entry in ClinVar:

ClinVar aggregate classification (germline): Uncertain significance (1 of 4 stars; one submission).

Submission:

Ambry Genetics
Classification: Uncertain significance. Last evaluated: 2025-05-22. Review status: criteria provided, single submitter. Criteria: Ambry Variant Classification Scheme 2023. Collection method: clinical testing. Allele origin: germline.
Comment: The p.E218K variant (also known as c.652G>A), located in coding exon 7 of the SRP72 gene, results from a G to A substitution at nucleotide position 652. The glutamic acid at codon 218 is replaced by lysine, an amino acid with similar properties. This amino acid position is conserved. In addition, the in silico prediction for this alteration is inconclusive. Based on the available evidence, the clinical significance of this variant remains unclear.

NM_006947.4(SRP72):c.652G>A (p.Glu218Lys)

Gene: SRP72 (signal recognition particle 72; plus strand). Cytogenetic location: 4q12.
Variant type: single nucleotide variant.
Coding change: c.652G>A on transcript NM_006947.4 (MANE Select); coding-DNA position 652, G replaced by A.
Protein change: p.Glu218Lys; replaces glutamic acid 218 with lysine.
Molecular consequence: missense variant. On other transcripts: non-coding transcript variant (1), intron variant (1).
Genome position (GRCh38, 1-based): chr4:56,478,388, G>A. VCF-style: chr4-56478388-G-A. GRCh37 (hg19) VCF-style: chr4-57344554-G-A.
Other names: c.642+1686G>A (NM_001267722.2); short protein forms E218K.
Identifiers: ClinVar variation 3962120 (VCV003962120.1).